The following is an entry in ClinVar:

NM_001167.4(XIAP):c.*5796C>T

Gene: XIAP (X-linked inhibitor of apoptosis; plus strand). Cytogenetic location: Xq25.
Variant type: single nucleotide variant.
Coding change: c.*5796C>T on transcript NM_001167.4 (MANE Select); 5796 bases downstream of the stop codon, C replaced by T.
Molecular consequence: 3 prime UTR variant. On other transcripts: non-coding transcript variant (2).
Genome position (GRCh38, 1-based): chrX:123,912,977, C>T. VCF-style: chrX-123912977-C-T. GRCh37 (hg19) VCF-style: chrX-123046827-C-T.
Other names: c.*5796C>T (NM_001204401.2, NM_001378590.1, NM_001378591.1 and 1 more transcripts).
Identifiers: ClinVar variation 367855 (VCV000367855.5), dbSNP rs745822519, ClinGen allele CA10508461.

ClinVar aggregate classification (germline): Benign (1 of 4 stars; one submission).

Conditions:
X-linked lymphoproliferative disease due to XIAP deficiency. Also called: XIAP DEFICIENCY; XIAP-Related Lymphoproliferative Disease, X-Linked. Identifiers: Orphanet 2442, Orphanet 538934, MedGen C1845076, MONDO:0010385, OMIM 300635.

Allele frequency attached by ClinVar (database versions not stated): ExAC 0.00063; 1000 Genomes Project 0.00106; gnomAD exomes 0.00142; 1000 Genomes Project 30x 0.00146; gnomAD 0.00191 and 0.00192; TOPMed 0.00254.
gnomAD v4.1: 550 of 295,804 alleles (0.19%); highest among the groups gnomAD compares: Non-Finnish European, 0.29%; no homozygotes.

Submission:

Illumina Laboratory Services, Illumina
Classification: Benign for X-linked lymphoproliferative disease due to XIAP deficiency. Last evaluated: 2018-01-13. Review status: criteria provided, single submitter. Criteria: ICSL Variant Classification Criteria 13 December 2019. Collection method: clinical testing. Allele origin: germline.
Comment: This variant was observed in the ICSL laboratory as part of a predisposition screen in an ostensibly healthy population. It had not been previously curated by ICSL or reported in the Human Gene Mutation Database (HGMD: prior to June 1st, 2018), and was therefore a candidate for classification through an automated scoring system. Utilizing variant allele frequency, disease prevalence and penetrance estimates, and inheritance mode, an automated score was calculated to assess if this variant is too frequent to cause the disease. Based on the score and internal cut-off values, a variant classified as benign is not then subjected to further curation. The score for this variant resulted in a classification of benign for this disease.